The following is an entry in ClinVar:

NM_001184880.2(PCDH19):c.1752_1759del (p.Tyr585fs)

Gene: PCDH19 (protocadherin 19; minus strand). Cytogenetic location: Xq22.1.
Variant type: Deletion.
Coding change: c.1752_1759del on transcript NM_001184880.2 (MANE Select); coding-DNA positions 1752 to 1759, 8 bases deleted (CTACCTGG; older notation c.1752_1759delCTACCTGG).
Protein change: p.Tyr585fs; shifts the reading frame from tyrosine 585.
Molecular consequence: frameshift variant.
Genome position (GRCh38, 1-based): chrX:100,406,839-100,406,846, CCAGGTAG deleted on the plus strand (CTACCTGG on the coding strand, the reverse complement: PCDH19 is on the minus strand); deleting any 8 consecutive bases within chrX:100,406,839-100,406,848 gives the same sequence; the c. name uses the placement nearest the transcript's 3' end. VCF-style (leftmost placement, unchanged base first): chrX-100406838-ACCAGGTAG-A. GRCh37 (hg19) VCF-style: chrX-99661836-ACCAGGTAG-A.
Other names: c.1752_1759del, p.Tyr585fs (NM_001105243.2, NM_020766.3); short protein forms Y585fs.
Identifiers: ClinVar variation 206357 (VCV000206357.1), dbSNP rs796052833, ClinGen allele CA316406.
Genomic context (GRCh38, chrX:100,406,838, plus strand): 5'-ATGTCGTAGGTGACTCGGCCATTTTCGCCCTCATCGTAGTCTTCTGCCTTGACAACAGTC[ACCAGGTAG>A]CCTATGCCAGAGTTGCGGGGTATGTAGACCTCGGCAGTGCCGTTAATCAGAGGTGGGGCT-3'

ClinVar aggregate classification (germline): Pathogenic (1 of 4 stars; one submission).

Submission:

GeneDx
Classification: Pathogenic. Last evaluated: 2014-02-03. Review status: criteria provided, single submitter. Criteria: GeneDx Variant Classification (06012015). Collection method: clinical testing. Allele origin: germline. Affected: yes.
Comment: This variant is denoted c.1752_1759delCTACCTGG: p.Tyr585AspfsX10 (Y585DfsX10) in exon 1 of the PCDH19 gene (NM_001105243.1). The c.1752_1759delCTACCTGG mutation in the PCDH19 gene causes a frameshift starting with codon Tyrosine 585, changes this amino acid to an Aspartic acid residue, and creates a premature Stop codon at position 10 of the new reading frame, denoted p.Tyr585AspfsX10. This mutation is predicted to cause loss of normal protein function either through protein truncation or nonsense-mediated mRNA decay. Although this mutation has not been previously reported to our knowledge, its presence is consistent with a diagnosis of a PCDH19-related disorder. The variant is found in INFANT-EPI panel(s).